The following is an entry in ClinVar:

ClinVar aggregate classification (germline): Uncertain significance. Review status: criteria provided, multiple submitters, no conflicts (2 of 4 stars). 2 submissions from 2 submitters: Uncertain significance (2). Last evaluated 2022-09-27.

Conditions:
Nephronophthisis 15 (NPHP15). Identifiers: Orphanet 3156, MedGen C3541853, MONDO:0013917, OMIM 614845.

Allele frequency attached by ClinVar (database versions not stated): ExAC 0.00001; TOPMed 0.00002; gnomAD exomes 0.00001.
gnomAD v4.1: 44 of 1,614,164 alleles (0.0027%); highest among the groups gnomAD compares: Middle Eastern, 0.016%; no homozygotes.

Submissions (2):

Labcorp Genetics (formerly Invitae), Labcorp
Classification: Uncertain significance for Nephronophthisis 15. Last evaluated: 2022-09-27. Review status: criteria provided, single submitter. Criteria: Invitae Variant Classification Sherloc (09022015). Collection method: clinical testing. Allele origin: germline.
Comment: This sequence change replaces arginine, which is basic and polar, with tryptophan, which is neutral and slightly polar, at codon 1392 of the CEP164 protein (p.Arg1392Trp). This variant is present in population databases (rs769676851, gnomAD 0.009%). This variant has not been reported in the literature in individuals affected with CEP164-related conditions. ClinVar contains an entry for this variant (Variation ID: 1489217). Advanced modeling of protein sequence and biophysical properties (such as structural, functional, and spatial information, amino acid conservation, physicochemical variation, residue mobility, and thermodynamic stability) performed at Invitae indicates that this missense variant is not expected to disrupt CEP164 protein function. In summary, the available evidence is currently insufficient to determine the role of this variant in disease. Therefore, it has been classified as a Variant of Uncertain Significance.

Fulgent Genetics
Classification: Uncertain significance for Nephronophthisis 15. Last evaluated: 2022-01-27. Review status: criteria provided, single submitter. Criteria: ACMG Guidelines, 2015. Collection method: clinical testing. Allele origin: unknown.

NM_014956.5(CEP164):c.4174C>T (p.Arg1392Trp)

Gene: CEP164 (centrosomal protein 164; plus strand). Cytogenetic location: 11q23.3.
Variant type: single nucleotide variant.
Coding change: c.4174C>T on transcript NM_014956.5 (MANE Select); coding-DNA position 4174, C replaced by T.
Protein change: p.Arg1392Trp; replaces arginine 1392 with tryptophan.
Molecular consequence: missense variant.
Genome position (GRCh38, 1-based): chr11:117,411,805, C>T. VCF-style: chr11-117411805-C-T. GRCh37 (hg19) VCF-style: chr11-117282521-C-T.
Other names: c.4159C>T, p.Arg1387Trp (NM_001271933.2); short protein forms R1387W, R1392W.
Identifiers: ClinVar variation 1489217 (VCV001489217.6), dbSNP rs769676851, ClinGen allele CA6295750.